The following is an entry in ClinVar:

ClinVar aggregate classification (germline): Likely pathogenic (1 of 4 stars; one submission).

Conditions:
Anemia, nonspherocytic hemolytic, due to G6PD deficiency (CNSHA1). Also called: Hemolytic anemia due to G6PD deficiency; Class I glucose-6-phosphate dehydrogenase deficiency; Favism, susceptibility to; ANEMIA, CONGENITAL, NONSPHEROCYTIC HEMOLYTIC, 1. Identifiers: Orphanet 466026, MedGen C2720289, MONDO:0010480, OMIM 300908.

Submission:

Dunham Lab, University of Washington
Classification: Likely pathogenic for Anemia, nonspherocytic hemolytic, due to G6PD deficiency. Last evaluated: 2022-08-12. Review status: criteria provided, single submitter. Criteria: Bayesian ACMG Guidelines, 2018. Collection method: curation. Allele origin: unknown. Affected: yes.
Comment: Variant found in unrelated hemizygotes with G6PD deficiency and acute anemia or CNSHA (PS4_M, PP4). Decreased activity in red blood cells (5-33%) and no detectable activity when expressed in E. coli (PS3). Not found in gnomAD (PM2). Post_P 0.988 (odds of pathogenicity 729.3, Prior_P 0.1).

Literature cited by the submitters: PubMed 32425388; PubMed 5779160; PubMed 28583873; PubMed 21302115.

NM_001360016.2(G6PD):c.825G>C (p.Lys275Asn)

Gene: G6PD (glucose-6-phosphate dehydrogenase; minus strand). Cytogenetic location: Xq28.
Variant type: single nucleotide variant.
Coding change: c.825G>C on transcript NM_001360016.2 (MANE Select); coding-DNA position 825, G replaced by C.
Protein change: p.Lys275Asn; replaces lysine 275 with asparagine.
Molecular consequence: missense variant.
Genome position (GRCh38, 1-based): chrX:154,533,615, C>G on the plus strand (G>C on the coding strand, the complement: G6PD is on the minus strand). VCF-style: chrX-154533615-C-G. GRCh37 (hg19) VCF-style: chrX-153761830-C-G.
Other names: G6PD Bangkok; c.915G>C, p.Lys305Asn (NM_000402.4); c.825G>C, p.Lys275Asn (NM_001042351.3); short protein forms K275N, K305N.
Identifiers: ClinVar variation 1722586 (VCV001722586.2), dbSNP rs2523265500, ClinGen allele CA415235202.
Genomic context (GRCh38, chrX:154,533,615, plus strand): 5'-GGACTGGGGTGCACCCCCTACCTTCTCATCACGGACGTCATCTGAGTTGGTGGAGGCGGG[C>G]TTCTCCATGGCCACCAGACACAGCATCTGCAGTAGGTGGTTCTGCATCACGTCCCTGGGG-3'
Protein context (NP_001346945.1, residues 265-285): LQMLCLVAME[Lys275Asn]PASTNSDDVR